The following is an entry in ClinVar:

ClinVar aggregate classification (germline): Conflicting classifications of pathogenicity. Review status: criteria provided, conflicting classifications (1 of 4 stars). 6 submissions from 5 submitters: Uncertain significance (4); Benign (1); Likely benign (1). Last evaluated 2025-12-28.

Conditions:
Adams-Oliver syndrome 5 (AOS5). Identifiers: Orphanet 974, MedGen C4014970, MONDO:0014459, OMIM 616028.
Familial thoracic aortic aneurysm and aortic dissection (TAAD). Also called: Thoracic aortic aneurysms and dissections. Identifiers: Orphanet 91387, MedGen C4707243, MONDO:0019625.
Aortic valve disease 1 (AOVD1). Identifiers: MedGen C3887892, MONDO:0024523, OMIM 109730.

Allele frequency attached by ClinVar (database versions not stated): TOPMed 0.00006; ExAC 0.00007; ESP Exome Variant Server 0.00008; gnomAD exomes 0.00009; gnomAD 0.00010; 1000 Genomes Project 30x 0.00031; 1000 Genomes Project 0.00040.

Submissions (6):

Labcorp Genetics (formerly Invitae), Labcorp
Classification: Benign for Adams-Oliver syndrome 5. Last evaluated: 2025-12-28. Review status: criteria provided, single submitter. Criteria: Invitae Variant Classification Sherloc (09022015). Collection method: clinical testing. Allele origin: germline.

Ambry Genetics
Classification: Uncertain significance for Familial thoracic aortic aneurysm and aortic dissection. Last evaluated: 2025-06-18. Review status: criteria provided, single submitter. Criteria: Ambry Variant Classification Scheme 2023. Collection method: clinical testing. Allele origin: germline.

Blueprint Genetics
Classification: Likely benign. Last evaluated: 2024-08-26. Review status: criteria provided, single submitter. Criteria: ACMG Guidelines, 2015. Collection method: clinical testing. Allele origin: germline.

GeneDx
Classification: Uncertain significance. Last evaluated: 2023-12-28. Review status: criteria provided, single submitter. Criteria: GeneDx Variant Classification Process June 2021. Collection method: clinical testing. Allele origin: germline. Affected: yes.
Comment: In silico analysis supports that this missense variant does not alter protein structure/function; This variant is associated with the following publications: (PMID: 36307044)

Genome-Nilou Lab
Classification: Uncertain significance for Adams-Oliver syndrome 5. Last evaluated: 2022-03-15. Review status: criteria provided, single submitter. Criteria: ACMG Guidelines, 2015. Collection method: clinical testing. Allele origin: germline. Affected: no.

Genome-Nilou Lab
Classification: Uncertain significance for Aortic valve disease 1. Last evaluated: 2022-03-15. Review status: criteria provided, single submitter. Criteria: ACMG Guidelines, 2015. Collection method: clinical testing. Allele origin: germline. Affected: no.

NM_017617.5(NOTCH1):c.4372G>A (p.Ala1458Thr)

Gene: NOTCH1 (notch receptor 1; minus strand). Cytogenetic location: 9q34.3.
Variant type: single nucleotide variant.
Coding change: c.4372G>A on transcript NM_017617.5 (MANE Select); coding-DNA position 4372, G replaced by A.
Protein change: p.Ala1458Thr; replaces alanine 1458 with threonine.
Molecular consequence: missense variant.
Genome position (GRCh38, 1-based): chr9:136,505,524, C>T on the plus strand (G>A on the coding strand, the complement: NOTCH1 is on the minus strand). VCF-style: chr9-136505524-C-T. GRCh37 (hg19) VCF-style: chr9-139399976-C-T.
Other names: c.4372G>A, p.Ala1458Thr (LRG_1122t1); short protein forms A1458T.
Identifiers: ClinVar variation 409073 (VCV000409073.24), dbSNP rs200495793, ClinGen allele CA5340629.
Genomic context (GRCh38, chr9:136,505,524, plus strand): 5'-CACCGCCGTCCCAGCCGCACGCGTGGTTGTTGCACTGCAGGCTGCAGACCTTGTTGCCCG[C>T]GTCCTCCTGGCACTCGGGCAGCTCGCACGCCTCCTCGATCAGCGGCGGGGGGATGTCGCG-3'
Protein context (NP_060087.3, residues 1448-1468): ACELPECQED[Ala1458Thr]GNKVCSLQCN